The following is an entry in ClinVar:

ClinVar aggregate classification (germline): Uncertain significance (1 of 4 stars; one submission).

Allele frequency attached by ClinVar (database versions not stated): gnomAD exomes below 0.00001.
gnomAD v4.1: 4 of 1,613,294 alleles (0.00025%); highest among the groups gnomAD compares: Non-Finnish European, 0.00034%; no homozygotes.

Submission:

Ambry Genetics
Classification: Uncertain significance. Last evaluated: 2023-05-25. Review status: criteria provided, single submitter. Criteria: Ambry Variant Classification Scheme 2023. Collection method: clinical testing. Allele origin: germline.
Comment: The p.F512S variant (also known as c.1535T>C), located in coding exon 8 of the PALLD gene, results from a T to C substitution at nucleotide position 1535. The phenylalanine at codon 512 is replaced by serine, an amino acid with highly dissimilar properties. This amino acid position is conserved. In addition, this alteration is predicted to be deleterious by in silico analysis. Since supporting evidence is limited at this time, the clinical significance of this alteration remains unclear.

NM_001166108.2(PALLD):c.1535T>C (p.Phe512Ser)

Gene: PALLD (palladin, cytoskeletal associated protein; plus strand). Cytogenetic location: 4q32.3.
Variant type: single nucleotide variant.
Coding change: c.1535T>C on transcript NM_001166108.2 (MANE Select); coding-DNA position 1535, T replaced by C.
Protein change: p.Phe512Ser; replaces phenylalanine 512 with serine.
Molecular consequence: missense variant.
Genome position (GRCh38, 1-based): chr4:168,709,061, T>C. VCF-style: chr4-168709061-T-C. GRCh37 (hg19) VCF-style: chr4-169630212-T-C.
Other names: c.389T>C, p.Phe130Ser (NM_001166109.2); c.1535T>C, p.Phe512Ser (NM_016081.4); short protein forms F512S, F130S.
Identifiers: ClinVar variation 2563424 (VCV002563424.2), dbSNP rs2531818427, ClinGen allele CA358797427.
Genomic context (GRCh38, chr4:168,709,061, plus strand): 5'-GAATGATTCTGTTCTCTTCACTTCCAGAGGAGATTTGCACCCTAGTTATCGCTGAGACTT[T>C]CCCTGAAGATGCAGGGATCTTTACATGTTCAGCAAGAAATGATTATGGATCAGCAACCAG-3'
Protein context (NP_001159580.1, residues 502-522): EICTLVIAET[Phe512Ser]PEDAGIFTCS